The following is an entry in ClinVar:

ClinVar aggregate classification (germline): Uncertain significance (1 of 4 stars; one submission).

Allele frequency attached by ClinVar (database versions not stated): gnomAD 0.00001.
gnomAD v4.1: 1 of 1,593,788 alleles (0.000063%); highest among the groups gnomAD compares: Admixed American, 0.0017%; no homozygotes.

Submission:

Women's Health and Genetics/Laboratory Corporation of America, LabCorp
Classification: Uncertain significance. Last evaluated: 2024-01-22. Review status: criteria provided, single submitter. Criteria: LabCorp Variant Classification Summary - May 2015. Collection method: clinical testing. Allele origin: germline.
Comment: Variant summary: APC2 c.2383G>A (p.Glu795Lys) results in a conservative amino acid change in the encoded protein sequence. Three of five in-silico tools predict a damaging effect of the variant on protein function. The variant was absent in 199962 control chromosomes. The available data on variant occurrences in the general population are insufficient to allow any conclusion about variant significance. To our knowledge, no occurrence of c.2383G>A in individuals affected with APC2-Related Disorders and no experimental evidence demonstrating its impact on protein function have been reported. No submitters have cited clinical-significance assessments for this variant to ClinVar. Based on the evidence outlined above, the variant was classified as uncertain significance.

NM_005883.3(APC2):c.2383G>A (p.Glu795Lys)

Gene: APC2 (APC regulator of WNT signaling pathway 2; plus strand). Cytogenetic location: 19p13.3.
Variant type: single nucleotide variant.
Coding change: c.2383G>A on transcript NM_005883.3 (MANE Select); coding-DNA position 2383, G replaced by A.
Protein change: p.Glu795Lys; replaces glutamic acid 795 with lysine.
Molecular consequence: missense variant.
Genome position (GRCh38, 1-based): chr19:1,465,684, G>A. VCF-style: chr19-1465684-G-A. GRCh37 (hg19) VCF-style: chr19-1465683-G-A.
Other names: c.2380G>A, p.Glu794Lys (NM_001351273.1); short protein forms E794K, E795K.
Identifiers: ClinVar variation 3063623 (VCV003063623.1), dbSNP rs2083997434, ClinGen allele CA403026177.
Genomic context (GRCh38, chr19:1,465,684, plus strand): 5'-TCGGGCTGCTTTGACGACGACGATGCACCGTCATCCCTGGCTGCGGCCGCGGCCACCGGG[G>A]AGCCAGCCAGCCCTGCCGCGCTGTCCCTCTTCCTGGGCAGCCCCTTCCTGCAGGGGCAGG-3'
Protein context (NP_005874.1, residues 785-805): SSLAAAAATG[Glu795Lys]PASPAALSLF